The following is an entry in ClinVar:

ClinVar aggregate classification (germline): Uncertain significance (1 of 4 stars; one submission).

Conditions:
Familial cancer of breast. Also called: Hereditary breast cancer; BREAST CANCER, FAMILIAL; hereditary breast carcinoma. Identifiers: Orphanet 227535, MedGen C0346153, MONDO:0016419, OMIM 114480. Disease mechanism: loss of function.

Submission:

Labcorp Genetics (formerly Invitae), Labcorp
Classification: Uncertain significance for Familial cancer of breast. Last evaluated: 2021-06-12. Review status: criteria provided, single submitter. Criteria: Invitae Variant Classification Sherloc (09022015). Collection method: clinical testing. Allele origin: germline.
Comment: Algorithms developed to predict the effect of missense changes on protein structure and function are either unavailable or do not agree on the potential impact of this missense change (SIFT: "Deleterious"; PolyPhen-2: "Probably Damaging"; Align-GVGD: "Class C0"). In summary, the available evidence is currently insufficient to determine the role of this variant in disease. Therefore, it has been classified as a Variant of Uncertain Significance. This variant has not been reported in the literature in individuals with PALB2-related conditions. This variant is not present in population databases (ExAC no frequency). This sequence change replaces glutamic acid with glutamine at codon 1120 of the PALB2 protein (p.Glu1120Gln). The glutamic acid residue is highly conserved and there is a small physicochemical difference between glutamic acid and glutamine.

NM_024675.4(PALB2):c.3358G>C (p.Glu1120Gln)

Gene: PALB2 (partner and localizer of BRCA2; minus strand). Cytogenetic location: 16p12.2.
Variant type: single nucleotide variant.
Coding change: c.3358G>C on transcript NM_024675.4 (MANE Select); coding-DNA position 3358, G replaced by C.
Protein change: p.Glu1120Gln; replaces glutamic acid 1120 with glutamine.
Molecular consequence: missense variant.
Genome position (GRCh38, 1-based): chr16:23,603,662, C>G on the plus strand (G>C on the coding strand, the complement: PALB2 is on the minus strand). VCF-style: chr16-23603662-C-G. GRCh37 (hg19) VCF-style: chr16-23614983-C-G.
Other names: short protein forms E1120Q.
Identifiers: ClinVar variation 1360580 (VCV001360580.9), dbSNP rs876658773, ClinGen allele CA395138398.